The following is an entry in ClinVar:

NM_020919.4(ALS2):c.4584A>C (p.Lys1528Asn)

Gene: ALS2 (alsin Rho guanine nucleotide exchange factor ALS2; minus strand). Cytogenetic location: 2q33.1.
Variant type: single nucleotide variant.
Coding change: c.4584A>C on transcript NM_020919.4 (MANE Select); coding-DNA position 4584, A replaced by C.
Protein change: p.Lys1528Asn; replaces lysine 1528 with asparagine.
Molecular consequence: missense variant.
Genome position (GRCh38, 1-based): chr2:201,705,458, T>G on the plus strand (A>C on the coding strand, the complement: ALS2 is on the minus strand). VCF-style: chr2-201705458-T-G. GRCh37 (hg19) VCF-style: chr2-202570181-T-G.
Other names: c.4581A>C, p.Lys1527Asn (NM_001410975.1); short protein forms K1527N, K1528N.
Identifiers: ClinVar variation 3377954 (VCV003377954.1).

ClinVar aggregate classification (germline): Uncertain significance (1 of 4 stars; one submission).

Submission:

GeneDx
Classification: Uncertain significance. Last evaluated: 2024-05-16. Review status: criteria provided, single submitter. Criteria: GeneDx Variant Classification Process June 2021. Collection method: clinical testing. Allele origin: germline. Affected: yes.
Comment: Not observed at significant frequency in large population cohorts (gnomAD); In silico analysis indicates that this missense variant does not alter protein structure/function; Has not been previously published as pathogenic or benign to our knowledge